The following is an entry in ClinVar:

NM_213599.3(ANO5):c.1957A>G (p.Ser653Gly)

Gene: ANO5 (anoctamin 5; plus strand). Cytogenetic location: 11p14.3.
Variant type: single nucleotide variant.
Coding change: c.1957A>G on transcript NM_213599.3 (MANE Select); coding-DNA position 1957, A replaced by G.
Protein change: p.Ser653Gly; replaces serine 653 with glycine.
Molecular consequence: missense variant.
Genome position (GRCh38, 1-based): chr11:22,270,370, A>G. VCF-style: chr11-22270370-A-G. GRCh37 (hg19) VCF-style: chr11-22291916-A-G.
Other names: c.1954A>G, p.Ser652Gly (NM_001142649.2); short protein forms S653G, S652G.
Identifiers: ClinVar variation 285322 (VCV000285322.11), dbSNP rs370610082, ClinGen allele CA5923413.

ClinVar aggregate classification (germline): Uncertain significance. Review status: criteria provided, multiple submitters, no conflicts (2 of 4 stars). 2 submissions from 2 submitters: Uncertain significance (2). Last evaluated 2025-07-13.

Conditions:
Autosomal recessive limb-girdle muscular dystrophy type 2L (LGMDR12). Also called: Limb-girdle muscular dystrophy, type 2L; Limb-Girdle Muscular Dystrophy R12 Anoctamin-5-Related (LGMD-R12); MUSCULAR DYSTROPHY, LIMB-GIRDLE, AUTOSOMAL RECESSIVE 12. Identifiers: Orphanet 206549, MedGen C1969785, MONDO:0012652, OMIM 611307.
Gnathodiaphyseal dysplasia (GDD). Also called: GNATHODIAPHYSEAL SCLEROSIS; OSTEOGENESIS IMPERFECTA WITH UNUSUAL SKELETAL LESIONS. Identifiers: Orphanet 53697, MedGen C1833736, MONDO:0008151, OMIM 166260.

Allele frequency attached by ClinVar (database versions not stated): gnomAD 0.00001; TOPMed 0.00001; ESP Exome Variant Server 0.00008; gnomAD exomes below 0.00001; ExAC 0.00001.
gnomAD v4.1: 8 of 1,614,062 alleles (0.0005%); highest among the groups gnomAD compares: African/African-American, 0.0027%; no homozygotes.

Submissions (2):

Labcorp Genetics (formerly Invitae), Labcorp
Classification: Uncertain significance for Autosomal recessive limb-girdle muscular dystrophy type 2L; Gnathodiaphyseal dysplasia. Last evaluated: 2025-07-13. Review status: criteria provided, single submitter. Criteria: Invitae Variant Classification Sherloc (09022015). Collection method: clinical testing. Allele origin: germline.
Comment: This sequence change replaces serine, which is neutral and polar, with glycine, which is neutral and non-polar, at codon 653 of the ANO5 protein (p.Ser653Gly). This variant is present in population databases (rs370610082, gnomAD 0.007%). This missense change has been observed in individual(s) with a clinical suspicion of limb-girdle muscular dystrophy (PMID: 30564623). ClinVar contains an entry for this variant (Variation ID: 285322). Invitae Evidence Modeling of protein sequence and biophysical properties (such as structural, functional, and spatial information, amino acid conservation, physicochemical variation, residue mobility, and thermodynamic stability) has been performed for this missense variant. However, the output from this modeling did not meet the statistical confidence thresholds required to predict the impact of this variant on ANO5 protein function. In summary, the available evidence is currently insufficient to determine the role of this variant in disease. Therefore, it has been classified as a Variant of Uncertain Significance.

Eurofins Ntd Llc (ga)
Classification: Uncertain significance. Last evaluated: 2015-12-14. Review status: criteria provided, single submitter. Criteria: EGL Classification Definitions 2015. Collection method: clinical testing. Allele origin: germline. Observed: 1 variant allele, 1 heterozygote.

Literature cited by the submitters: PubMed 30564623 (cited by Labcorp Genetics (formerly Invitae), Labcorp).